The following is an entry in ClinVar:

ClinVar aggregate classification (germline): Uncertain significance. Review status: criteria provided, multiple submitters, no conflicts (2 of 4 stars). 3 submissions from 3 submitters: Uncertain significance (2). 1 of the submissions does not count toward it. Last evaluated 2024-05-28.

Conditions:
BCORL1-related disorder. Also called: BCORL1-related condition.

Allele frequency attached by ClinVar (database versions not stated): gnomAD 0.00001; TOPMed 0.00001.

Submissions (3):

Ambry Genetics
Classification: Uncertain significance. Last evaluated: 2024-05-28. Review status: criteria provided, single submitter. Criteria: Ambry Variant Classification Scheme 2023. Collection method: clinical testing. Allele origin: germline.

GeneDx
Classification: Uncertain significance. Last evaluated: 2022-03-02. Review status: criteria provided, single submitter. Criteria: GeneDx Variant Classification Process June 2021. Collection method: clinical testing. Allele origin: germline. Affected: yes.
Comment: Not observed at significant frequency in large population cohorts (gnomAD); In silico analysis supports that this missense variant does not alter protein structure/function; Has not been previously published as pathogenic or benign to our knowledge

PreventionGenetics, part of Exact Sciences
Classification: Uncertain significance for BCORL1-related condition. Last evaluated: 2023-12-20. Review status: no assertion criteria provided. Collection method: clinical testing. Allele origin: germline. Not counted in ClinVar's aggregate classification.
Comment: The BCORL1 c.3227A>G variant is predicted to result in the amino acid substitution p.Gln1076Arg. To our knowledge, this variant has not been reported in the literature or in a large population database, indicating this variant is rare. At this time, the clinical significance of this variant is uncertain due to the absence of conclusive functional and genetic evidence.

NM_001379451.1(BCORL1):c.3227A>G (p.Gln1076Arg)

Gene: BCORL1 (BCL6 corepressor like 1; plus strand). Cytogenetic location: Xq26.1.
Variant type: single nucleotide variant.
Coding change: c.3227A>G on transcript NM_001379451.1 (MANE Select); coding-DNA position 3227, A replaced by G.
Protein change: p.Gln1076Arg; replaces glutamine 1076 with arginine.
Molecular consequence: missense variant.
Genome position (GRCh38, 1-based): chrX:130,015,999, A>G. VCF-style: chrX-130015999-A-G. GRCh37 (hg19) VCF-style: chrX-129149975-A-G.
Other names: c.3227A>G, p.Gln1076Arg (NM_001184772.3, NM_001379450.1, NM_021946.5); short protein forms Q1076R.
Identifiers: ClinVar variation 1704123 (VCV001704123.5), dbSNP rs1170303027, ClinGen allele CA414594654.